The following is an entry in ClinVar:

NM_001752.4(CAT):c.134G>T (p.Gly45Val)

Gene: CAT (catalase; plus strand). Cytogenetic location: 11p13.
Variant type: single nucleotide variant.
Coding change: c.134G>T on transcript NM_001752.4 (MANE Select); coding-DNA position 134, G replaced by T.
Protein change: p.Gly45Val; replaces glycine 45 with valine.
Molecular consequence: missense variant.
Genome position (GRCh38, 1-based): chr11:34,449,259, G>T. VCF-style: chr11-34449259-G-T. GRCh37 (hg19) VCF-style: chr11-34470806-G-T.
Other names: short protein forms G45V.
Identifiers: ClinVar variation 5007860 (VCV005007860.2).

ClinVar aggregate classification (germline): Uncertain significance (1 of 4 stars; one submission).

Conditions:
Acatalasia. Also called: ACATALASEMIA, HUNGARIAN TYPE; CATALASE DEFICIENCY. Identifiers: Orphanet 926, MedGen C0268419, MONDO:0013571, OMIM 614097.

Submission:

Juno Genomics, Hangzhou Juno Genomics, Inc
Classification: Uncertain significance for Acatalasia. Review status: criteria provided, single submitter. Criteria: ACMG Guidelines, 2015. Collection method: clinical testing. Allele origin: germline.
Comment: Absent from controls (or at extremely low frequency if recessive) in Genome Aggregation Database.;Multiple lines of computational evidence support a deleterious effect on the gene or gene product.